The following is an entry in ClinVar:

NM_203447.4(DOCK8):c.5080-143G>C

Gene: DOCK8 (dedicator of cytokinesis 8; plus strand). Cytogenetic location: 9p24.3.
Variant type: single nucleotide variant.
Coding change: c.5080-143G>C on transcript NM_203447.4 (MANE Select); 143 bases into the intron before coding-DNA position 5080, G replaced by C.
Molecular consequence: intron variant.
Genome position (GRCh38, 1-based): chr9:439,102, G>C. VCF-style: chr9-439102-G-C. GRCh37 (hg19) VCF-style: chr9-439102-G-C.
Other names: c.4876-143G>C (NM_001193536.2); c.4780-143G>C (NM_001190458.2).
Identifiers: ClinVar variation 1185301 (VCV001185301.6), dbSNP rs10733508, ClinGen allele CA13005042.

ClinVar aggregate classification (germline): Benign. Review status: criteria provided, multiple submitters, no conflicts (2 of 4 stars). 4 submissions from 4 submitters: Benign (4). Last evaluated 2023-11-12.

Conditions:
Combined immunodeficiency due to DOCK8 deficiency (HIES2). Also called: Hyper-IgE recurrent infection syndrome, autosomal recessive; HYPER-IgE SYNDROME 2, AUTOSOMAL RECESSIVE, WITH RECURRENT INFECTIONS; HIES autosomal recessive; HYPER-IgE RECURRENT INFECTION SYNDROME 2, AUTOSOMAL RECESSIVE; DOCK8 Deficiency. Identifiers: Orphanet 217390, MedGen C4722305, MONDO:0009478, OMIM 243700.

Allele frequency attached by ClinVar (database versions not stated): TOPMed 0.70132; 1000 Genomes Project 30x 0.72345; 1000 Genomes Project 0.72584.

Submissions (4):

Unidad de Genómica Garrahan, Hospital de Pediatría Garrahan
Classification: Benign. Last evaluated: 2023-11-12. Review status: criteria provided, single submitter. Criteria: ACMG Guidelines, 2015. Collection method: clinical testing. Allele origin: germline. Affected: no. Observed: 43 variant alleles.
Comment: This variant is classified as Benign based on local population frequency. This variant was detected in 45% of patients studied by a panel of primary immunodeficiencies. Number of patients: 43. Only high quality variants are reported.

Genome-Nilou Lab
Classification: Benign for Combined immunodeficiency due to DOCK8 deficiency. Last evaluated: 2021-07-14. Review status: criteria provided, single submitter. Criteria: ACMG Guidelines, 2015. Collection method: clinical testing. Allele origin: germline. Affected: no.

GeneDx
Classification: Benign. Last evaluated: 2018-06-26. Review status: criteria provided, single submitter. Criteria: GeneDx Variant Classification Process June 2021. Collection method: clinical testing. Allele origin: germline. Affected: yes.

Breakthrough Genomics
Classification: Benign. Review status: criteria provided, single submitter. Criteria: ACMG Guidelines, 2015. Collection method: not provided. Allele origin: germline. Inheritance: Autosomal recessive inheritance. Affected: yes.